The following is an entry in ClinVar:

NM_013266.4(CTNNA3):c.2162G>A (p.Gly721Asp)

Gene: CTNNA3 (catenin alpha 3; minus strand). Cytogenetic location: 10q21.3.
Variant type: single nucleotide variant.
Coding change: c.2162G>A on transcript NM_013266.4 (MANE Select); coding-DNA position 2162, G replaced by A.
Protein change: p.Gly721Asp; replaces glycine 721 with aspartic acid.
Molecular consequence: missense variant.
Genome position (GRCh38, 1-based): chr10:65,988,795, C>T on the plus strand (G>A on the coding strand, the complement: CTNNA3 is on the minus strand). VCF-style: chr10-65988795-C-T. GRCh37 (hg19) VCF-style: chr10-67748553-C-T.
Other names: c.2162G>A, p.Gly721Asp (NM_001127384.3); short protein forms G721D.
Identifiers: ClinVar variation 1786934 (VCV001786934.2), dbSNP rs1179591600, ClinGen allele CA377089423.

ClinVar aggregate classification (germline): Uncertain significance (1 of 4 stars; one submission).

Allele frequency attached by ClinVar (database versions not stated): TOPMed below 0.00001; gnomAD 0.00001.
gnomAD v4.1: 3 of 1,610,230 alleles (0.00019%); highest among the groups gnomAD compares: Non-Finnish European, 0.00017%; no homozygotes.

Submission:

Ambry Genetics
Classification: Uncertain significance. Last evaluated: 2022-06-22. Review status: criteria provided, single submitter. Criteria: Ambry Variant Classification Scheme 2023. Collection method: clinical testing. Allele origin: germline.
Comment: The p.G721D variant (also known as c.2162G>A), located in coding exon 15 of the CTNNA3 gene, results from a G to A substitution at nucleotide position 2162. The glycine at codon 721 is replaced by aspartic acid, an amino acid with similar properties. This amino acid position is conserved. In addition, this alteration is predicted to be deleterious by in silico analysis. Since supporting evidence is limited at this time, the clinical significance of this alteration remains unclear.